The following is an entry in ClinVar:

NM_021620.4(PRDM13):c.1070_1090del (p.His357_His363del)

Genes: PRDM13 (PR/SET domain 13; plus strand), LOC129996881 (ATAC-STARR-seq lymphoblastoid silent region 17422; plus strand). Cytogenetic location: 6q16.2.
Variant type: Deletion.
Coding change: c.1070_1090del on transcript NM_021620.4 (MANE Select); coding-DNA positions 1070 to 1090, 21 bases deleted (ACGCGCACCACCACCACCATC).
Protein change: p.His357_His363del.
Molecular consequence: inframe deletion.
Genome position (GRCh38, 1-based): chr6:99,613,705-99,613,725, ACGCGCACCACCACCACCATC deleted; deleting any 21 consecutive bases within chr6:99,613,704-99,613,725 gives the same sequence; the c. name uses the placement nearest the transcript's 3' end. VCF-style (leftmost placement, unchanged base first): chr6-99613703-CCACGCGCACCACCACCACCAT-C. GRCh37 (hg19) VCF-style: chr6-100061579-CCACGCGCACCACCACCACCAT-C.
Identifiers: ClinVar variation 1994314 (VCV001994314.4), dbSNP rs1770074424, ClinGen allele CA1650230974.
Genomic context (GRCh38, chr6:99,613,703, plus strand): 5'-CGGGCGCCCCGGGAGCGGGGAGAACTCGGCGGCGGGCGGCGCGGGTCACCACCATCACCA[CCACGCGCACCACCACCACCAT>C]CCCAAGTGCCTGCTCGCTGGGGACCCGCCGCCGCCGCCGCCGCCTGGCCTGCCCTGCTCT-3'

ClinVar aggregate classification (germline): Uncertain significance (1 of 4 stars; one submission).

Submission:

Labcorp Genetics (formerly Invitae), Labcorp
Classification: Uncertain significance. Last evaluated: 2023-08-04. Review status: criteria provided, single submitter. Criteria: Invitae Variant Classification Sherloc (09022015). Collection method: clinical testing. Allele origin: germline.
Comment: In summary, the available evidence is currently insufficient to determine the role of this variant in disease. Therefore, it has been classified as a Variant of Uncertain Significance. Experimental studies and prediction algorithms are not available or were not evaluated, and the functional significance of this variant is currently unknown. ClinVar contains an entry for this variant (Variation ID: 1994314). This variant has not been reported in the literature in individuals affected with PRDM13-related conditions. This variant is not present in population databases (gnomAD no frequency). This variant, c.1070_1090del, results in the deletion of 7 amino acid(s) of the PRDM13 protein (p.His357_His363del), but otherwise preserves the integrity of the reading frame.